The following is an entry in ClinVar:

ClinVar aggregate classification (germline): Likely pathogenic (0 of 4 stars; one submission).

Conditions:
Somatotroph adenoma (PITA1). Also called: Pituitary tumor, growth hormone-secreting, somatic; ACROMEGALY DUE TO PITUITARY ADENOMA 1; Pituitary adenoma, growth hormone-secreting; PITUITARY ADENOMA 1, MULTIPLE TYPES; ISOLATED FAMILIAL SOMATOTROPINOMA; SOMATOTROPHINOMA, FAMILIAL. Identifiers: Orphanet 314777, Orphanet 963, MedGen C4538355, MONDO:0007052, OMIM 102200.

Submission:

GeneReviews
Classification: Likely pathogenic for AIP-Related Familial Isolated Pituitary Adenomas. Last evaluated: 2012-06-21. Review status: no assertion criteria provided. Collection method: curation. Allele origin: unknown.
ClinVar note: Converted during submission from probable-pathogenic to Likely pathogenic.

NM_003977.3(AIP):c.[878_879delAGinsGT];[880_891delCTGGACCCAGCC]

Variant type: CompoundHeterozygote.
Identifiers: ClinVar variation 424705 (VCV000424705.3).